The following is an entry in ClinVar:

NM_000860.6(HPGD):c.466C>T (p.His156Tyr)

Gene: HPGD (15-hydroxyprostaglandin dehydrogenase; minus strand). Cytogenetic location: 4q34.1.
Variant type: single nucleotide variant.
Coding change: c.466C>T on transcript NM_000860.6 (MANE Select); coding-DNA position 466, C replaced by T.
Protein change: p.His156Tyr; replaces histidine 156 with tyrosine.
Molecular consequence: missense variant. On other transcripts: intron variant (1).
Genome position (GRCh38, 1-based): chr4:174,495,580, G>A on the plus strand (C>T on the coding strand, the complement: HPGD is on the minus strand). VCF-style: chr4-174495580-G-A. GRCh37 (hg19) VCF-style: chr4-175416731-G-A.
Other names: c.466C>T, p.His156Tyr (NM_001145816.3); c.103C>T, p.His35Tyr (NM_001256301.1, NM_001256307.2); c.262C>T, p.His88Tyr (NM_001256306.2); c.422-3486C>T (NM_001256305.2); short protein forms H35Y, H156Y, H88Y.
Identifiers: ClinVar variation 1394930 (VCV001394930.6), dbSNP rs1468102735, ClinGen allele CA358812339.

ClinVar aggregate classification (germline): Uncertain significance (1 of 4 stars; one submission).

Allele frequency attached by ClinVar (database versions not stated): gnomAD exomes below 0.00001.

Submission:

Labcorp Genetics (formerly Invitae), Labcorp
Classification: Uncertain significance. Last evaluated: 2025-11-03. Review status: criteria provided, single submitter. Criteria: Invitae Variant Classification Sherloc (09022015). Collection method: clinical testing. Allele origin: germline.
Comment: This sequence change replaces histidine, which is basic and polar, with tyrosine, which is neutral and polar, at codon 156 of the HPGD protein (p.His156Tyr). This variant is present in population databases (no rsID available, gnomAD 0.003%). This variant has not been reported in the literature in individuals affected with HPGD-related conditions. ClinVar contains an entry for this variant (Variation ID: 1394930). An algorithm developed to predict the effect of missense changes on protein structure and function (PolyPhen-2) suggests that this variant is likely to be disruptive. In summary, the available evidence is currently insufficient to determine the role of this variant in disease. Therefore, it has been classified as a Variant of Uncertain Significance.